The following is an entry in ClinVar:

ClinVar aggregate classification (germline): Pathogenic. Review status: criteria provided, multiple submitters, no conflicts (2 of 4 stars). 4 submissions from 4 submitters: Pathogenic (4). Last evaluated 2023-08-03.

Conditions:
Hereditary cancer-predisposing syndrome. Also called: Neoplastic Syndromes, Hereditary; Tumor predisposition; Hereditary Cancer Syndrome; Hereditary neoplastic syndrome. Identifiers: Orphanet 140162, MedGen C0027672, MeSH D009386, MONDO:0015356.
Familial cancer of breast. Also called: BREAST CANCER, FAMILIAL; Hereditary breast cancer; hereditary breast carcinoma. Identifiers: Orphanet 227535, MedGen C0346153, MONDO:0016419, OMIM 114480. Disease mechanism: loss of function.

Submissions (4):

Baylor Genetics
Classification: Pathogenic for Familial cancer of breast. Last evaluated: 2023-08-03. Review status: criteria provided, single submitter. Criteria: ACMG Guidelines, 2015. Collection method: clinical testing. Allele origin: unknown.

Myriad Genetics, Inc.
Classification: Pathogenic for Familial cancer of breast. Last evaluated: 2023-05-24. Review status: criteria provided, single submitter. Criteria: Myriad Autosomal Dominant, Autosomal Recessive and X-Linked Classification Criteria (2023). Collection method: clinical testing. Allele origin: unknown.
Comment: This variant is considered pathogenic. This variant creates a frameshift predicted to result in premature protein truncation.

Labcorp Genetics (formerly Invitae), Labcorp
Classification: Pathogenic for Familial cancer of breast. Last evaluated: 2022-04-06. Review status: criteria provided, single submitter. Criteria: Invitae Variant Classification Sherloc (09022015). Collection method: clinical testing. Allele origin: germline.
Comment: For these reasons, this variant has been classified as Pathogenic. ClinVar contains an entry for this variant (Variation ID: 820030). This premature translational stop signal has been observed in individual(s) with breast cancer (PMID: 31036035). This variant is not present in population databases (gnomAD no frequency). This sequence change creates a premature translational stop signal (p.Ile591Phefs*14) in the BARD1 gene. It is expected to result in an absent or disrupted protein product. Loss-of-function variants in BARD1 are known to be pathogenic (PMID: 20077502, 21344236).

Ambry Genetics
Classification: Pathogenic for Hereditary cancer-predisposing syndrome. Last evaluated: 2019-10-03. Review status: criteria provided, single submitter. Criteria: Ambry Variant Classification Scheme 2023. Collection method: clinical testing. Allele origin: germline.
Comment: The c.1771delA pathogenic mutation, located in coding exon 8 of the BARD1 gene, results from a deletion of one nucleotide at nucleotide position 1771, causing a translational frameshift with a predicted alternate stop codon (p.I591Ffs*14). This alteration is expected to result in loss of function by premature protein truncation or nonsense-mediated mRNA decay. As such, this alteration is interpreted as a disease-causing mutation.

Literature cited by the submitters: PubMed 31036035 (cited by Labcorp Genetics (formerly Invitae), Labcorp); PubMed 20077502 (cited by Labcorp Genetics (formerly Invitae), Labcorp); PubMed 21344236 (cited by Labcorp Genetics (formerly Invitae), Labcorp).

NM_000465.4(BARD1):c.1771del (p.Ile591fs)

Gene: BARD1 (BRCA1 associated RING domain 1; minus strand). Cytogenetic location: 2q35.
Variant type: Deletion.
Coding change: c.1771del on transcript NM_000465.4 (MANE Select); coding-DNA position 1771, one base deleted (A; older notation c.1771delA).
Protein change: p.Ile591fs; shifts the reading frame from isoleucine 591.
Molecular consequence: frameshift variant. On other transcripts: non-coding transcript variant (3), intron variant (1).
Genome position (GRCh38, 1-based): chr2:214,745,761, T deleted on the plus strand (A on the coding strand, the reverse complement: BARD1 is on the minus strand); the first of 2 consecutive T bases (chr2:214,745,761-214,745,762); deleting either gives the same sequence. VCF-style (leftmost placement, unchanged base first): chr2-214745760-AT-A. GRCh37 (hg19) VCF-style: chr2-215610484-AT-A.
Other names: c.1714del, p.Ile572fs (NM_001282543.2); c.418del, p.Ile140fs (NM_001282545.2); c.361del, p.Ile121fs (NM_001282548.2); c.365-15253del (NM_001282549.2); short protein forms I121fs, I591fs, I140fs, I572fs.
Identifiers: ClinVar variation 820030 (VCV000820030.17), dbSNP rs1574739114, ClinGen allele CA915941711.